The following is an entry in ClinVar:

NM_005732.4(RAD50):c.1542dup (p.Asp515fs)

Gene: RAD50 (RAD50 double strand break repair protein; plus strand). Cytogenetic location: 5q31.1.
Variant type: Duplication.
Coding change: c.1542dup on transcript NM_005732.4 (MANE Select); coding-DNA position 1542, one base duplicated (A; older notation c.1542dupA).
Protein change: p.Asp515fs; shifts the reading frame from aspartic acid 515.
Molecular consequence: frameshift variant.
Genome position (GRCh38, 1-based): chr5:132,591,313, A duplicated. VCF-style (leftmost placement, unchanged base first): chr5-132591312-T-TA. GRCh37 (hg19) VCF-style: chr5-131927004-T-TA.
Other names: short protein forms D515fs.
Identifiers: ClinVar variation 2853065 (VCV002853065.3), dbSNP rs2479641332, ClinGen allele CA2739275039.

ClinVar aggregate classification (germline): Pathogenic (1 of 4 stars; one submission).

Conditions:
Hereditary cancer-predisposing syndrome. Also called: Neoplastic Syndromes, Hereditary; Hereditary Cancer Syndrome; Tumor predisposition; Hereditary neoplastic syndrome. Identifiers: Orphanet 140162, MedGen C0027672, MeSH D009386, MONDO:0015356.

Submission:

Labcorp Genetics (formerly Invitae), Labcorp
Classification: Pathogenic for Hereditary cancer-predisposing syndrome. Last evaluated: 2023-04-07. Review status: criteria provided, single submitter. Criteria: Invitae Variant Classification Sherloc (09022015). Collection method: clinical testing. Allele origin: germline.
Comment: For these reasons, this variant has been classified as Pathogenic. This variant has not been reported in the literature in individuals affected with RAD50-related conditions. This variant is not present in population databases (gnomAD no frequency). This sequence change creates a premature translational stop signal (p.Asp515Argfs*6) in the RAD50 gene. It is expected to result in an absent or disrupted protein product. Loss-of-function variants in RAD50 are known to be pathogenic (PMID: 19409520).

Literature cited by the submitters: PubMed 19409520.